The following is an entry in ClinVar:

NM_000925.4(PDHB):c.875_876del (p.Val292fs)

Gene: PDHB (pyruvate dehydrogenase E1 subunit beta; minus strand). Cytogenetic location: 3p14.3.
Variant type: Microsatellite.
Coding change: c.875_876del on transcript NM_000925.4 (MANE Select); coding-DNA positions 875 to 876, 2 bases deleted (TG; older notation c.875_876delTG).
Protein change: p.Val292fs; shifts the reading frame from valine 292.
Molecular consequence: frameshift variant. On other transcripts: non-coding transcript variant (1).
Genome position (GRCh38, 1-based): chr3:58,428,531-58,428,532, CA deleted on the plus strand (TG on the coding strand, the reverse complement: PDHB is on the minus strand); deleting any 2 consecutive bases within chr3:58,428,531-58,428,534 gives the same sequence; the c. name uses the placement nearest the transcript's 3' end. VCF-style (leftmost placement, unchanged base first): chr3-58428530-CCA-C. GRCh37 (hg19) VCF-style: chr3-58414257-CCA-C.
Other names: c.821_822del, p.Val274fs (NM_001173468.2, NM_001315536.2); short protein forms V274fs, V292fs.
Identifiers: ClinVar variation 4814484 (VCV004814484.1).

ClinVar aggregate classification (germline): Likely pathogenic (1 of 4 stars; one submission).

Conditions:
Pyruvate dehydrogenase phosphatase deficiency (PDHPD). Also called: LACTIC ACIDEMIA WITH PYRUVATE DEHYDROGENASE PHOSPHATASE DEFICIENCY. Identifiers: Orphanet 79246, MedGen C1837429, MONDO:0012120, OMIM 608782.

Submission:

Natera, Inc.
Classification: Likely pathogenic for Pyruvate dehydrogenase phosphatase deficiency. Last evaluated: 2024-12-11. Review status: criteria provided, single submitter. Criteria: Natera Variant Classification Schema (03/2026). Collection method: clinical testing. Allele origin: germline.
Comment: The c.875_876del variant in PDHB is a frameshift variant predicted to shift the reading frame beginning at codon 292 and leads to a stop codon 12 codons downstream. This variant is expected to result in nonsense mediated decay, truncation, or a dysfunctional protein product. This variant is rare in the general population with a frequency below the threshold expected for the associated phenotype(s). Given the available evidence, this variant is classified as Likely Pathogenic.